The following is an entry in ClinVar:

ClinVar aggregate classification (germline): Uncertain significance (1 of 4 stars; one submission).

Conditions:
Inborn genetic diseases. Identifiers: MedGen C0950123, MeSH D030342.

gnomAD v4.1: 2 of 1,614,072 alleles (0.00012%); highest among the groups gnomAD compares: South Asian, 0.0011%; no homozygotes.

Submission:

Ambry Genetics
Classification: Uncertain significance for Inborn genetic diseases. Last evaluated: 2025-05-09. Review status: criteria provided, single submitter. Criteria: Ambry Variant Classification Scheme 2023. Collection method: clinical testing. Allele origin: germline.
Comment: The c.1258+5C>T intronic variant results from a C to T substitution 5 nucleotides after coding exon 4 in the MBD4 gene. This nucleotide position is not well conserved in available vertebrate species. In silico splice site analysis predicts that this alteration will not have any significant effect on splicing. Based on the available evidence, the clinical significance of this variant remains unclear.

NM_001276270.2(MBD4):c.1258+5C>T

Gene: MBD4 (methyl-CpG binding domain 4, DNA glycosylase; minus strand). Cytogenetic location: 3q21.3.
Variant type: single nucleotide variant.
Coding change: c.1258+5C>T on transcript NM_001276270.2 (MANE Select); 5 bases into the intron after coding-DNA position 1258, C replaced by T.
Molecular consequence: intron variant.
Genome position (GRCh38, 1-based): chr3:129,434,057, G>A on the plus strand (C>T on the coding strand, the complement: MBD4 is on the minus strand). VCF-style: chr3-129434057-G-A. GRCh37 (hg19) VCF-style: chr3-129152900-G-A.
Other names: c.322+5C>T (NM_001276273.2); c.1276+5C>T (NM_001276272.2, NM_003925.3, NM_001276271.2).
Identifiers: ClinVar variation 4052215 (VCV004052215.1).
Genomic context (GRCh38, chr3:129,434,057, plus strand): 5'-AGTGCATCAGAATTGAAAACCCAAAATGGAATTAGAATTTGCTGTTCTGATTGGGAAAGG[G>A]ATACCTTCTTTGTTATATTTGCTGGAAAAATACAGGCTTGTTTTCCTTCTTTCTATCTGT-3'